The following continues an entry in ClinVar:

NM_003002.4(SDHD):c.149A>G (p.His50Arg)

Gene: SDHD. ClinVar aggregate classification (germline): Benign/Likely benign. Benign (13); Likely benign (8).

Submissions 23 to 28 of 28:

ITMI
No classification provided. Condition: AllHighlyPenetrant. Last evaluated: 2013-09-19. Review status: no classification provided. Collection method: reference population. Allele origin: germline. Not counted in ClinVar's aggregate classification.
Comment: Please see associated publication for description of ethnicities

Biesecker Lab/Clinical Genomics Section, National Institutes of Health
Classification: Uncertain significance. Last evaluated: 2012-07-13. Review status: no assertion criteria provided. Collection method: research. Allele origin: germline. Affected: no. Observed: 4 variant alleles. Study: ClinSeq. Not counted in ClinVar's aggregate classification.
ClinVar note: Converted during submission from variant of unknown significance to Uncertain significance.

OMIM
Classification: Uncertain significance for RECLASSIFIED - VARIANT OF UNKNOWN SIGNIFICANCE. Last evaluated: 2008-08-01. Review status: no assertion criteria provided. Collection method: literature only. Allele origin: unknown. Not counted in ClinVar's aggregate classification.

Clinical Genetics DNA and cytogenetics Diagnostics Lab, Erasmus MC, Erasmus Medical Center
Classification: Likely benign. Review status: no assertion criteria provided. Collection method: clinical testing. Allele origin: germline. Affected: yes. Study: VKGL Data-share Consensus. Not counted in ClinVar's aggregate classification.

Genome Diagnostics Laboratory, Amsterdam University Medical Center
Classification: Benign. Review status: no assertion criteria provided. Collection method: clinical testing. Allele origin: germline. Affected: yes. Study: VKGL Data-share Consensus. Not counted in ClinVar's aggregate classification.

Joint Genome Diagnostic Labs from Nijmegen and Maastricht, Radboudumc and MUMC+
Classification: Likely benign. Review status: no assertion criteria provided. Collection method: clinical testing. Allele origin: germline. Affected: yes. Study: VKGL Data-share Consensus. Not counted in ClinVar's aggregate classification.

Literature cited by the submitters: PubMed 18678321 (cited by 4 submitters); PubMed 27279923 (cited by 3 submitters); PubMed 25695889 (cited by 3 submitters); PubMed 25694510 (cited by 3 submitters); PubMed 21979946 (cited by Department of Pathology and Laboratory Medicine, Sinai Health System and Quest Diagnostics Nichols Institute San Juan Capistrano); PubMed 24728327 (cited by 3 submitters); PubMed 28164237 (cited by Department of Pathology and Laboratory Medicine, Sinai Health System and Quest Diagnostics Nichols Institute San Juan Capistrano); PubMed 25149476 (cited by 3 submitters); PubMed 29386252 (cited by Quest Diagnostics Nichols Institute San Juan Capistrano); PubMed 29792313 (cited by Quest Diagnostics Nichols Institute San Juan Capistrano); PubMed 28128698 (cited by Quest Diagnostics Nichols Institute San Juan Capistrano); PubMed 34906457 (cited by Quest Diagnostics Nichols Institute San Juan Capistrano); PubMed 35626065 (cited by Quest Diagnostics Nichols Institute San Juan Capistrano); PubMed 35938916 (cited by Quest Diagnostics Nichols Institute San Juan Capistrano); PubMed 23175444 (cited by Quest Diagnostics Nichols Institute San Juan Capistrano and Women's Health and Genetics/Laboratory Corporation of America, LabCorp); PubMed 12111639 (cited by Quest Diagnostics Nichols Institute San Juan Capistrano and OMIM); PubMed 14557476 (cited by Quest Diagnostics Nichols Institute San Juan Capistrano); PubMed 12696072 (cited by Women's Health and Genetics/Laboratory Corporation of America, LabCorp); PubMed 15623805 (cited by Women's Health and Genetics/Laboratory Corporation of America, LabCorp); Hamosh, A. Personal Communication. 2018. Baltimore, Md. (cited by OMIM); PubMed 12007193 (cited by OMIM); PubMed 12386824 (cited by OMIM); PubMed 21565294 (cited by OMIM).